The following is an entry in ClinVar:

ClinVar aggregate classification (germline): Conflicting classifications of pathogenicity. Review status: criteria provided, conflicting classifications (1 of 4 stars). 8 submissions from 8 submitters: Uncertain significance (3); Likely benign (4). 1 of the submissions does not count toward it. Last evaluated 2026-02-18.

Conditions:
CAPN3-related disorder. Also called: CAPN3-related disorders; CAPN3-related condition. Identifiers: MedGen CN239245.
Autosomal recessive limb-girdle muscular dystrophy type 2A (LGMDR1). Also called: LEYDEN-MOEBIUS MUSCULAR DYSTROPHY; MUSCULAR DYSTROPHY, PELVOFEMORAL; Muscular dystrophy, limb-girdle, type 2A, Amish; Limb-girdle muscular dystrophy, type 2A; Calpainopathy. Identifiers: Orphanet 267, MedGen C1869123, MONDO:0009675, OMIM 253600. Disease mechanism: loss of function.

Allele frequency attached by ClinVar (database versions not stated): gnomAD exomes 0.00012 and 0.00019; TOPMed 0.00012; ExAC 0.00015; gnomAD 0.00015 and 0.00016.

Submissions (8):

Women's Health and Genetics/Laboratory Corporation of America, LabCorp
Classification: Likely benign. Last evaluated: 2026-02-18. Review status: criteria provided, single submitter. Criteria: LabCorp Variant Classification Summary - May 2015. Collection method: clinical testing. Allele origin: germline.

Labcorp Genetics (formerly Invitae), Labcorp
Classification: Likely benign for Autosomal recessive limb-girdle muscular dystrophy type 2A. Last evaluated: 2026-01-19. Review status: criteria provided, single submitter. Criteria: Invitae Variant Classification Sherloc (09022015). Collection method: clinical testing. Allele origin: germline.

Blueprint Genetics
Classification: Likely benign. Last evaluated: 2024-10-28. Review status: criteria provided, single submitter. Criteria: ACMG Guidelines, 2015. Collection method: clinical testing. Allele origin: germline.

Eurofins Ntd Llc (ga)
Classification: Uncertain significance. Last evaluated: 2018-08-24. Review status: criteria provided, single submitter. Criteria: EGL ClinVar v180209 classification definitions. Collection method: clinical testing. Allele origin: germline. Observed: 1 variant allele, 1 heterozygote.

Illumina Laboratory Services, Illumina
Classification: Uncertain significance for Limb-girdle muscular dystrophy, type 2A. Last evaluated: 2018-01-12. Review status: criteria provided, single submitter. Criteria: ICSL Variant Classification Criteria 13 December 2019. Collection method: clinical testing. Allele origin: germline.

GeneDx
Classification: Likely benign. Last evaluated: 2016-10-19. Review status: criteria provided, single submitter. Criteria: GeneDx Variant Classification (06012015). Collection method: clinical testing. Allele origin: germline. Affected: yes.
Comment: This variant is considered likely benign or benign based on one or more of the following criteria: it is a conservative change, it occurs at a poorly conserved position in the protein, it is predicted to be benign by multiple in silico algorithms, and/or has population frequency not consistent with disease.

Genetic Services Laboratory, University of Chicago
Classification: Uncertain significance. Last evaluated: 2013-10-23. Review status: criteria provided, single submitter. Criteria: ACMG Guidelines, 2007. Collection method: clinical testing. Allele origin: germline. Inheritance: Autosomal recessive inheritance.

PreventionGenetics, part of Exact Sciences
Classification: Likely benign for CAPN3-related condition. Last evaluated: 2019-08-09. Review status: no assertion criteria provided. Collection method: clinical testing. Allele origin: germline. Not counted in ClinVar's aggregate classification.
Comment: This variant is classified as likely benign based on ACMG/AMP sequence variant interpretation guidelines (Richards et al. 2015 PMID: 25741868, with internal and published modifications).

NM_000070.3(CAPN3):c.1830C>T (p.Asn610=)

Gene: CAPN3 (calpain 3; plus strand). Cytogenetic location: 15q15.1.
Variant type: single nucleotide variant.
Coding change: c.1830C>T on transcript NM_000070.3 (MANE Select); coding-DNA position 1830, C replaced by T.
Protein change: p.Asn610=; no amino-acid change (asparagine 610 retained).
Molecular consequence: synonymous variant. On other transcripts: intron variant (3).
Genome position (GRCh38, 1-based): chr15:42,408,240, C>T. VCF-style: chr15-42408240-C-T. GRCh37 (hg19) VCF-style: chr15-42700438-C-T.
Other names: c.1812C>T, p.Asn604= (NM_024344.2); c.294C>T, p.Asn98= (NM_173088.2); c.1639-1063C>T (NM_173087.2); c.-81-1063C>T (NM_173090.2, NM_173089.2).
Identifiers: ClinVar variation 128568 (VCV000128568.28), dbSNP rs202019404, ClinGen allele CA230931.